The following is an entry in ClinVar:

ClinVar aggregate classification (germline): Pathogenic (1 of 4 stars; one submission).

Conditions:
Hereditary breast ovarian cancer syndrome. Also called: Breast and ovarian cancer; BRCA1- and BRCA2-Associated Hereditary Breast and Ovarian Cancer; Hereditary breast and ovarian cancer; Hereditary breast and ovarian cancer syndrome (HBOC); Hereditary breast and/or ovarian cancer syndrome; Hereditary breast and ovarian cancer syndrome. Identifiers: Orphanet 145, MedGen C0677776, MeSH D061325, MONDO:0003582. Disease mechanism: loss of function.

Submission:

Labcorp Genetics (formerly Invitae), Labcorp
Classification: Pathogenic for Hereditary breast ovarian cancer syndrome. Last evaluated: 2019-05-01. Review status: criteria provided, single submitter. Criteria: Invitae Variant Classification Sherloc (09022015). Collection method: clinical testing. Allele origin: germline.
Comment: This sequence change creates a premature translational stop signal (p.Tyr1552*) in the BRCA1 gene. It is expected to result in an absent or disrupted protein product. This variant is not present in population databases (ExAC no frequency). This variant has not been reported in the literature in individuals with BRCA1-related conditions. However, different variants (c.4656C>A, c.4656C>G) giving rise to the same protein effect observed here (p.Tyr1552*) have been reported in individuals with with breast and/or ovarian cancer (PMID: 22970155, 28802053, 29446198). Loss-of-function variants in BRCA1 are known to be pathogenic (PMID: 20104584). For these reasons, this variant has been classified as Pathogenic.

Literature cited by the submitters: PubMed 22970155; PubMed 28802053; PubMed 29446198; PubMed 20104584.

NM_007294.4(BRCA1):c.4654_4655insG (p.Tyr1552Ter)

Gene: BRCA1 (BRCA1 DNA repair associated; minus strand). Cytogenetic location: 17q21.31.
Variant type: Insertion.
Coding change: c.4654_4655insG on transcript NM_007294.4 (MANE Select); coding-DNA positions 4654 to 4655, G inserted.
Protein change: p.Tyr1552Ter; replaces tyrosine 1552 with a stop codon.
Molecular consequence: nonsense. On other transcripts: frameshift variant (362), non-coding transcript variant (1).
Genome position: GRCh38 VCF-style: chr17-43074351-T-TC. GRCh37 (hg19) VCF-style: chr17-41226368-T-TC.
Other names: c.4441_4442insG, p.Tyr1481Terfs (NM_001407571.1, NM_001407894.1, NM_001407895.1 and 12 more transcripts); c.4720_4721insG, p.Tyr1574Terfs (NM_001407581.1, NM_001407582.1); c.4717_4718insG, p.Tyr1573Terfs (NM_001407583.1, NM_001407585.1, NM_001407587.1); c.4714_4715insG, p.Tyr1572Terfs (NM_001407590.1, NM_001407591.1); c.4654_4655insG, p.Tyr1552Terfs (NM_001407593.1, NM_001407594.1, NM_001407596.1 and 8 more transcripts); c.4651_4652insG, p.Tyr1551Terfs (NM_001407610.1, NM_001407611.1, NM_001407612.1 and 17 more transcripts); c.4648_4649insG, p.Tyr1550Terfs (NM_001407627.1, NM_001407628.1, NM_001407629.1 and 14 more transcripts); c.4645_4646insG, p.Tyr1549Terfs (NM_001407644.1, NM_001407645.1); and 71 more; short protein forms Y1552*, Y1573*, Y1505*, Y448*.
Identifiers: ClinVar variation 858687 (VCV000858687.11), dbSNP rs1555581824, ClinGen allele CA916080205.